The following is an entry in ClinVar:

NM_017636.4(TRPM4):c.343C>T (p.Pro115Ser)

Gene: TRPM4 (transient receptor potential cation channel subfamily M member 4; plus strand). Cytogenetic location: 19q13.33.
Variant type: single nucleotide variant.
Coding change: c.343C>T on transcript NM_017636.4 (MANE Select); coding-DNA position 343, C replaced by T.
Protein change: p.Pro115Ser; replaces proline 115 with serine.
Molecular consequence: missense variant. On other transcripts: intron variant (4).
Genome position (GRCh38, 1-based): chr19:49,167,992, C>T. VCF-style: chr19-49167992-C-T. GRCh37 (hg19) VCF-style: chr19-49671249-C-T.
Other names: c.343C>T, p.Pro115Ser (NM_001195227.2); c.-1105-268C>T (NM_001321282.2); c.268-561C>T (NM_001321281.2); c.-74-268C>T (NM_001321283.2); c.-237-561C>T (NM_001321285.2); short protein forms P115S.
Identifiers: ClinVar variation 1731451 (VCV001731451.3), dbSNP rs1568458887, ClinGen allele CA406790202.

ClinVar aggregate classification (germline): Uncertain significance (1 of 4 stars; one submission).

Conditions:
Cardiovascular phenotype. Identifiers: MedGen CN230736.

gnomAD v4.1: 11 of 1,614,016 alleles (0.00068%); highest among the groups gnomAD compares: Non-Finnish European, 0.00085%; no homozygotes.

Submission:

Ambry Genetics
Classification: Uncertain significance for Cardiovascular phenotype. Last evaluated: 2024-05-26. Review status: criteria provided, single submitter. Criteria: Ambry Variant Classification Scheme 2023. Collection method: clinical testing. Allele origin: germline.
Comment: The p.P115S variant (also known as c.343C>T), located in coding exon 4 of the TRPM4 gene, results from a C to T substitution at nucleotide position 343. The proline at codon 115 is replaced by serine, an amino acid with similar properties. This amino acid position is highly conserved in available vertebrate species. In addition, the in silico prediction for this alteration is inconclusive. Since supporting evidence is limited at this time, the clinical significance of this alteration remains unclear.